The following is an entry in ClinVar:

NM_003072.5(SMARCA4):c.1564A>G (p.Ile522Val)

Gene: SMARCA4 (SWI/SNF related BAF chromatin remodeling complex subunit ATPase 4; plus strand). Cytogenetic location: 19p13.2.
Variant type: single nucleotide variant.
Coding change: c.1564A>G on transcript NM_003072.5 (MANE Select); coding-DNA position 1564, A replaced by G.
Protein change: p.Ile522Val; replaces isoleucine 522 with valine.
Molecular consequence: missense variant. On other transcripts: non-coding transcript variant (1).
Genome position (GRCh38, 1-based): chr19:10,994,972, A>G. VCF-style: chr19-10994972-A-G. GRCh37 (hg19) VCF-style: chr19-11105648-A-G.
Other names: c.1564A>G, p.Ile522Val (NM_001128844.3, NM_001128845.2, NM_001128846.2 and 5 more transcripts); short protein forms I522V.
Identifiers: ClinVar variation 572869 (VCV000572869.8), dbSNP rs1568440731, ClinGen allele CA404062275.

ClinVar aggregate classification (germline): Uncertain significance (1 of 4 stars; one submission).

Conditions:
Rhabdoid tumor predisposition syndrome 2 (RTPS2). Identifiers: Orphanet 231108, Orphanet 69077, MedGen C2750074, MONDO:0013224, OMIM 613325.

Submission:

Labcorp Genetics (formerly Invitae), Labcorp
Classification: Uncertain significance for Rhabdoid tumor predisposition syndrome 2. Last evaluated: 2018-06-12. Review status: criteria provided, single submitter. Criteria: Invitae Variant Classification Sherloc (09022015). Collection method: clinical testing. Allele origin: germline.
Comment: This sequence change replaces isoleucine with valine at codon 522 of the SMARCA4 protein (p.Ile522Val). The isoleucine residue is highly conserved and there is a small physicochemical difference between isoleucine and valine. This variant is not present in population databases (ExAC no frequency). This variant has not been reported in the literature in individuals with SMARCA4-related disease. Algorithms developed to predict the effect of missense changes on protein structure and function are either unavailable or do not agree on the potential impact of this missense change (SIFT: "Deleterious"; PolyPhen-2: "Benign"; Align-GVGD: "Class C25"). In summary, the available evidence is currently insufficient to determine the role of this variant in disease. Therefore, it has been classified as a Variant of Uncertain Significance.